The following is an entry in ClinVar:

ClinVar aggregate classification (germline): Benign. Review status: criteria provided, multiple submitters, no conflicts (2 of 4 stars). 2 submissions from 2 submitters: Benign (2). Last evaluated 2018-06-20.

Allele frequency attached by ClinVar (database versions not stated): gnomAD 0.09926 and 0.09996; gnomAD exomes 0.10423; TOPMed 0.10543; 1000 Genomes Project 0.11002; 1000 Genomes Project 30x 0.11259.
gnomAD v4.1: 107,755 of 1,041,540 alleles (10%); highest among the groups gnomAD compares: Admixed American, 18%; 6,152 homozygotes.

Submissions (2):

GeneDx
Classification: Benign. Last evaluated: 2018-06-20. Review status: criteria provided, single submitter. Criteria: GeneDx Variant Classification (06012015). Collection method: clinical testing. Allele origin: germline. Affected: yes.
Comment: This variant is considered likely benign or benign based on one or more of the following criteria: it is a conservative change, it occurs at a poorly conserved position in the protein, it is predicted to be benign by multiple in silico algorithms, and/or has population frequency not consistent with disease.

Breakthrough Genomics
Classification: Benign. Review status: criteria provided, single submitter. Criteria: ACMG Guidelines, 2015. Collection method: not provided. Allele origin: germline. Inheritance: Autosomal recessive inheritance. Affected: yes.

NM_006096.4(NDRG1):c.755+141A>G

Genes: NDRG1 (N-myc downstream regulated 1; minus strand), LOC126860531 (CDK7 strongly-dependent group 2 enhancer GRCh37_chr8:134259869-134261068; plus strand). Cytogenetic location: 8q24.22.
Variant type: single nucleotide variant.
Coding change: c.755+141A>G on transcript NM_006096.4 (MANE Select); 141 bases into the intron after coding-DNA position 755, A replaced by G.
Molecular consequence: intron variant.
Genome position (GRCh38, 1-based): chr8:133,248,574, T>C on the plus strand (A>G on the coding strand, the complement: NDRG1 is on the minus strand). VCF-style: chr8-133248574-T-C. GRCh37 (hg19) VCF-style: chr8-134260817-T-C.
Other names: c.557+141A>G (NM_001258432.2, NM_001374847.1); c.512+141A>G (NM_001258433.2); c.806+141A>G (NM_001374844.1); c.755+141A>G (NM_001135242.2, NM_001374845.1, NM_001374846.1).
Identifiers: ClinVar variation 672534 (VCV000672534.2), dbSNP rs16904873, ClinGen allele CA12741386.